The following is an entry in ClinVar:

NM_170606.3(KMT2C):c.12434G>A (p.Arg4145His)

Gene: KMT2C (lysine methyltransferase 2C; minus strand). Cytogenetic location: 7q36.1.
Variant type: single nucleotide variant.
Coding change: c.12434G>A on transcript NM_170606.3 (MANE Select); coding-DNA position 12434, G replaced by A.
Protein change: p.Arg4145His; replaces arginine 4145 with histidine.
Molecular consequence: missense variant.
Genome position (GRCh38, 1-based): chr7:152,152,797, C>T on the plus strand (G>A on the coding strand, the complement: KMT2C is on the minus strand). VCF-style: chr7-152152797-C-T. GRCh37 (hg19) VCF-style: chr7-151849882-C-T.
Other names: short protein forms R4145H.
Identifiers: ClinVar variation 3054163 (VCV003054163.2), dbSNP rs143770207, ClinGen allele CA4578802.

ClinVar aggregate classification (germline): Likely benign (0 of 4 stars; one submission).

Conditions:
KMT2C-related disorder. Also called: KMT2C-related disorders; KMT2C-related condition.

Allele frequency attached by ClinVar (database versions not stated): 1000 Genomes Project 30x 0.00031; 1000 Genomes Project 0.00040; ESP Exome Variant Server 0.00046; gnomAD 0.00046; TOPMed 0.00051.
gnomAD v4.1: 139 of 1,614,136 alleles (0.0086%); highest among the groups gnomAD compares: African/African-American, 0.15%; 1 homozygote.

Submission:

PreventionGenetics, part of Exact Sciences
Classification: Likely benign for KMT2C-related condition. Last evaluated: 2024-02-27. Review status: no assertion criteria provided. Collection method: clinical testing. Allele origin: germline.
Comment: This variant is classified as likely benign based on ACMG/AMP sequence variant interpretation guidelines (Richards et al. 2015 PMID: 25741868, with internal and published modifications).